The following is an entry in ClinVar:

ClinVar aggregate classification (germline): Likely benign (0 of 4 stars; one submission).

Conditions:
CNTNAP4-related disorder. Also called: CNTNAP4-related condition.

Allele frequency attached by ClinVar (database versions not stated): TOPMed 0.00701; 1000 Genomes Project 30x 0.00734; 1000 Genomes Project 0.00839; ESP Exome Variant Server 0.00850.
gnomAD v4.1: 15,435 of 1,611,866 alleles (0.96%); highest among the groups gnomAD compares: South Asian, 1.8%; 112 homozygotes.

Submission:

PreventionGenetics, part of Exact Sciences
Classification: Likely benign for CNTNAP4-related condition. Last evaluated: 2021-03-01. Review status: no assertion criteria provided. Collection method: clinical testing. Allele origin: germline.
Comment: This variant is classified as likely benign based on ACMG/AMP sequence variant interpretation guidelines (Richards et al. 2015 PMID: 25741868, with internal and published modifications).

NM_033401.5(CNTNAP4):c.2506A>T (p.Ile836Phe)

Gene: CNTNAP4 (contactin associated protein family member 4; plus strand). Cytogenetic location: 16q23.1.
Variant type: single nucleotide variant.
Coding change: c.2506A>T on transcript NM_033401.5 (MANE Select); coding-DNA position 2506, A replaced by T.
Protein change: p.Ile836Phe; replaces isoleucine 836 with phenylalanine.
Molecular consequence: missense variant. On other transcripts: non-coding transcript variant (3).
Genome position (GRCh38, 1-based): chr16:76,521,280, A>T. VCF-style: chr16-76521280-A-T. GRCh37 (hg19) VCF-style: chr16-76555177-A-T.
Other names: c.2356A>T, p.Ile786Phe (NM_001322178.2); c.2506A>T, p.Ile836Phe (NM_001322179.2, NM_001322188.2); c.2119A>T, p.Ile707Phe (NM_001322180.2); c.2503A>T, p.Ile835Phe (NM_001322181.2); c.1090A>T, p.Ile364Phe (NM_001322187.2); c.2242A>T, p.Ile748Phe (NM_001322189.2); c.2362A>T, p.Ile788Phe (NM_001322190.2); c.1579A>T, p.Ile527Phe (NM_001322191.2); and 1 more; short protein forms I364F, I527F, I707F, I748F, I763F, I786F, I788F, I835F.
Identifiers: ClinVar variation 3056004 (VCV003056004.2), dbSNP rs112577515, ClinGen allele CA8179171.